The following is an entry in ClinVar:

ClinVar aggregate classification (germline): Uncertain significance (1 of 4 stars; one submission).

gnomAD v4.1: 18 of 1,613,878 alleles (0.0011%); highest among the groups gnomAD compares: African/African-American, 0.0027%; no homozygotes.

Submission:

Labcorp Genetics (formerly Invitae), Labcorp
Classification: Uncertain significance. Last evaluated: 2025-07-21. Review status: criteria provided, single submitter. Criteria: Invitae Variant Classification Sherloc (09022015). Collection method: clinical testing. Allele origin: germline.
Comment: This sequence change replaces arginine, which is basic and polar, with cysteine, which is neutral and slightly polar, at codon 244 of the RHOBTB2 protein (p.Arg244Cys). This variant is present in population databases (no rsID available, gnomAD 0.005%). This variant has not been reported in the literature in individuals affected with RHOBTB2-related conditions. ClinVar contains an entry for this variant (Variation ID: 3685414). Invitae Evidence Modeling of protein sequence and biophysical properties (such as structural, functional, and spatial information, amino acid conservation, physicochemical variation, residue mobility, and thermodynamic stability) indicates that this missense variant is not expected to disrupt RHOBTB2 protein function with a negative predictive value of 80%. In summary, the available evidence is currently insufficient to determine the role of this variant in disease. Therefore, it has been classified as a Variant of Uncertain Significance.

NM_015178.3(RHOBTB2):c.664C>T (p.Arg222Cys)

Gene: RHOBTB2 (Rho related BTB domain containing 2; plus strand). Cytogenetic location: 8p21.3.
Variant type: single nucleotide variant.
Coding change: c.664C>T on transcript NM_015178.3 (MANE Select); coding-DNA position 664, C replaced by T.
Protein change: p.Arg222Cys; replaces arginine 222 with cysteine.
Molecular consequence: missense variant.
Genome position (GRCh38, 1-based): chr8:23,006,909, C>T. VCF-style: chr8-23006909-C-T. GRCh37 (hg19) VCF-style: chr8-22864422-C-T.
Other names: c.730C>T, p.Arg244Cys (NM_001160036.2); c.685C>T, p.Arg229Cys (NM_001160037.2); c.664C>T, p.Arg222Cys (NM_001374791.1); short protein forms R229C, R222C, R244C.
Identifiers: ClinVar variation 3685414 (VCV003685414.2).